The following is an entry in ClinVar:

ClinVar aggregate classification (germline): Uncertain significance (1 of 4 stars; one submission).

Conditions:
Neurofibromatosis, type 1 (NF1). Also called: Neurofibromatosis, type I; NEUROFIBROMATOSIS, TYPE I, SOMATIC; Peripheral type neurofibromatosis; VON RECKLINGHAUSEN DISEASE. Identifiers: Orphanet 636, MedGen C0027831, MONDO:0018975, OMIM 162200. Disease mechanism: loss of function.

gnomAD v4.1: 1 of 1,613,656 alleles (0.000062%); no homozygotes.

Submission:

Labcorp Genetics (formerly Invitae), Labcorp
Classification: Uncertain significance for Neurofibromatosis, type 1. Last evaluated: 2024-06-03. Review status: criteria provided, single submitter. Criteria: Invitae Variant Classification Sherloc (09022015). Collection method: clinical testing. Allele origin: germline.
Comment: This sequence change replaces alanine, which is neutral and non-polar, with valine, which is neutral and non-polar, at codon 463 of the NF1 protein (p.Ala463Val). This variant is not present in population databases (gnomAD no frequency). This variant has not been reported in the literature in individuals affected with NF1-related conditions. Advanced modeling of protein sequence and biophysical properties (such as structural, functional, and spatial information, amino acid conservation, physicochemical variation, residue mobility, and thermodynamic stability) performed at Invitae indicates that this missense variant is not expected to disrupt NF1 protein function with a negative predictive value of 95%. In summary, the available evidence is currently insufficient to determine the role of this variant in disease. Therefore, it has been classified as a Variant of Uncertain Significance.

NM_001042492.3(NF1):c.1388C>T (p.Ala463Val)

Gene: NF1 (neurofibromin 1; plus strand). Cytogenetic location: 17q11.2.
Variant type: single nucleotide variant.
Coding change: c.1388C>T on transcript NM_001042492.3 (MANE Select); coding-DNA position 1388, C replaced by T.
Protein change: p.Ala463Val; replaces alanine 463 with valine.
Molecular consequence: missense variant.
Genome position (GRCh38, 1-based): chr17:31,206,367, C>T. VCF-style: chr17-31206367-C-T. GRCh37 (hg19) VCF-style: chr17-29533385-C-T.
Other names: c.1388C>T, p.Ala463Val (NM_000267.4, NM_001128147.3); short protein forms A463V.
Identifiers: ClinVar variation 2715334 (VCV002715334.3), dbSNP rs2143915522, ClinGen allele CA398999918.
Genomic context (GRCh38, chr17:31,206,367, plus strand): 5'-TTGGTGAAACACTTCATAAAGCAGTGCAAGGTTGTGGAGCACACCCAGCAATACGAATGG[C>T]ACCGGTAAGATAAATCACGAATTTTGAATCTCACCTCCTTTCTATTGCATTTTTTTTAGT-3'
Protein context (NP_001035957.1, residues 453-473): GCGAHPAIRM[Ala463Val]PSLTFKEKVT